The following is an entry in ClinVar:

NM_000252.3(MTM1):c.769del (p.Asp257fs)

Gene: MTM1 (myotubularin 1; plus strand). Cytogenetic location: Xq28.
Variant type: Deletion.
Coding change: c.769del on transcript NM_000252.3 (MANE Select); coding-DNA position 769, one base deleted (G; older notation c.769delG).
Protein change: p.Asp257fs; shifts the reading frame from aspartic acid 257.
Molecular consequence: frameshift variant.
Genome position (GRCh38, 1-based): chrX:150,645,773, G deleted. VCF-style (leftmost placement, unchanged base first): chrX-150645772-TG-T. GRCh37 (hg19) VCF-style: chrX-149814245-TG-T.
Other names: c.769del, p.Asp257fs (NM_001376906.1, NM_001376908.1); c.658del, p.Asp220fs (NM_001376907.1); short protein forms D220fs, D257fs.
Identifiers: ClinVar variation 4886471 (VCV004886471.2).
Genomic context (GRCh38, chrX:150,645,772, plus strand): 5'-GACGGTCATTGTGCGTTGCAGTCAGCCTCTTGTCGGTATGAGTGGGAAACGAAATAAAGA[TG>T]ATGAGAAATATCTCGATGTTATCAGGGAGACTAATAAACAAATTTCTAAACTCACCATTT-3'

ClinVar aggregate classification (germline): Likely pathogenic (1 of 4 stars; one submission).

Submission:

Dasa
Classification: Likely pathogenic. Last evaluated: 2025-09-26. Review status: criteria provided, single submitter. Criteria: DASA Assertion Criteria. Collection method: clinical testing. Allele origin: germline.
Comment: NM_000252.3(MTM1):c.769del (p.Asp257Metfs*27) is a frameshift variant in MTM1 predicted to alter the reading frame and introduce a premature termination codon and is predicted to result in an absent or altered protein product. Loss of function is an established disease mechanism for MTM1 (PMID: 10790201; PMID: 11793470; PMID: 12522554). Also, this variant is absent from population databases. Based on the currently available evidence, this variant is classified as likely pathogenic.

Literature cited by the submitters: PubMed 10790201; PubMed 11793470; PubMed 12522554.